The following is an entry in ClinVar:

NM_003072.5(SMARCA4):c.3355C>G (p.Arg1119Gly)

Gene: SMARCA4 (SWI/SNF related BAF chromatin remodeling complex subunit ATPase 4; plus strand). Cytogenetic location: 19p13.2.
Variant type: single nucleotide variant.
Coding change: c.3355C>G on transcript NM_003072.5 (MANE Select); coding-DNA position 3355, C replaced by G.
Protein change: p.Arg1119Gly; replaces arginine 1119 with glycine.
Molecular consequence: missense variant. On other transcripts: non-coding transcript variant (1).
Genome position (GRCh38, 1-based): chr19:11,027,923, C>G. VCF-style: chr19-11027923-C-G. GRCh37 (hg19) VCF-style: chr19-11138599-C-G.
Other names: c.3355C>G, p.Arg1119Gly (NM_001128844.3, NM_001128845.2, NM_001128846.2 and 5 more transcripts); short protein forms R1119G.
Identifiers: ClinVar variation 1350196 (VCV001350196.6), dbSNP rs2090378511, ClinGen allele CA404061863.

ClinVar aggregate classification (germline): Uncertain significance (1 of 4 stars; one submission).

Conditions:
Rhabdoid tumor predisposition syndrome 2 (RTPS2). Identifiers: Orphanet 231108, Orphanet 69077, MedGen C2750074, MONDO:0013224, OMIM 613325.

Submission:

Labcorp Genetics (formerly Invitae), Labcorp
Classification: Uncertain significance for Rhabdoid tumor predisposition syndrome 2. Last evaluated: 2021-11-08. Review status: criteria provided, single submitter. Criteria: Invitae Variant Classification Sherloc (09022015). Collection method: clinical testing. Allele origin: germline.
Comment: In summary, the available evidence is currently insufficient to determine the role of this variant in disease. Therefore, it has been classified as a Variant of Uncertain Significance. Algorithms developed to predict the effect of missense changes on protein structure and function (SIFT, PolyPhen-2, Align-GVGD) all suggest that this variant is likely to be disruptive. This variant has not been reported in the literature in individuals affected with SMARCA4-related conditions. This variant is not present in population databases (gnomAD no frequency). This sequence change replaces arginine, which is basic and polar, with glycine, which is neutral and non-polar, at codon 1119 of the SMARCA4 protein (p.Arg1119Gly).